The following is an entry in ClinVar:

ClinVar aggregate classification (germline): Uncertain significance (1 of 4 stars; one submission).

Submission:

GeneDx
Classification: Uncertain significance. Last evaluated: 2024-10-18. Review status: criteria provided, single submitter. Criteria: GeneDx Variant Classification Process June 2021. Collection method: clinical testing. Allele origin: germline. Affected: yes.
Comment: Not observed at significant frequency in large population cohorts (gnomAD); In silico analysis indicates that this missense variant does not alter protein structure/function; Has not been previously published as pathogenic or benign to our knowledge

NM_012281.3(KCND2):c.1837A>G (p.Arg613Gly)

Gene: KCND2 (potassium voltage-gated channel subfamily D member 2; plus strand). Cytogenetic location: 7q31.31.
Variant type: single nucleotide variant.
Coding change: c.1837A>G on transcript NM_012281.3 (MANE Select); coding-DNA position 1837, A replaced by G.
Protein change: p.Arg613Gly; replaces arginine 613 with glycine.
Molecular consequence: missense variant.
Genome position (GRCh38, 1-based): chr7:120,747,802, A>G. VCF-style: chr7-120747802-A-G. GRCh37 (hg19) VCF-style: chr7-120387856-A-G.
Other names: short protein forms R613G.
Identifiers: ClinVar variation 3781199 (VCV003781199.1).